The following is an entry in ClinVar:

NM_001148.6(ANK2):c.5369G>A (p.Arg1790Lys)

Genes: ANK2 (ankyrin 2; plus strand), LOC126807136 (MED14-independent group 3 enhancer GRCh37_chr4:114274931-114276130; plus strand). Cytogenetic location: 4q26.
Variant type: single nucleotide variant.
Coding change: c.5369G>A on transcript NM_001148.6 (MANE Select); coding-DNA position 5369, G replaced by A.
Protein change: p.Arg1790Lys; replaces arginine 1790 with lysine.
Molecular consequence: missense variant. On other transcripts: intron variant (68).
Genome position (GRCh38, 1-based): chr4:113,353,987, G>A. VCF-style: chr4-113353987-G-A. GRCh37 (hg19) VCF-style: chr4-114275143-G-A.
Other names: c.5135G>A, p.Arg1712Lys (NM_001386142.1); c.1769G>A, p.Arg590Lys (NM_001386166.1); c.5510G>A, p.Arg1837Lys (NM_001386174.1); c.5486G>A, p.Arg1829Lys (NM_001386175.1); c.4411+3738G>A (NM_001386186.2, NM_001386148.2); c.4213+3738G>A (NM_001354269.3); c.4291+3738G>A (NM_001386187.2); c.4252+3738G>A (NM_001386147.1); and 35 more; short protein forms R1712K, R1829K, R1837K, R1790K, R590K.
Identifiers: ClinVar variation 1747093 (VCV001747093.2), dbSNP rs145715885, ClinGen allele CA3051212.

ClinVar aggregate classification (germline): Uncertain significance (1 of 4 stars; one submission).

Conditions:
Cardiovascular phenotype. Identifiers: MedGen CN230736.

Allele frequency attached by ClinVar (database versions not stated): ExAC 0.00001; ESP Exome Variant Server 0.00008.

Submission:

Ambry Genetics
Classification: Uncertain significance for Cardiovascular phenotype. Last evaluated: 2021-05-27. Review status: criteria provided, single submitter. Criteria: Ambry Variant Classification Scheme 2023. Collection method: clinical testing. Allele origin: germline.
Comment: The p.R1790K variant (also known as c.5369G>A), located in coding exon 38 of the ANK2 gene, results from a G to A substitution at nucleotide position 5369. The arginine at codon 1790 is replaced by lysine, an amino acid with highly similar properties. This amino acid position is well conserved in available vertebrate species. In addition, this alteration is predicted to be tolerated by in silico analysis. Since supporting evidence is limited at this time, the clinical significance of this alteration remains unclear.